The following is an entry in ClinVar:

ClinVar aggregate classification (germline): Uncertain significance. Review status: criteria provided, multiple submitters, no conflicts (2 of 4 stars). 2 submissions from 2 submitters: Uncertain significance (2). Last evaluated 2025-07-15.

Conditions:
Inborn genetic diseases. Identifiers: MedGen C0950123, MeSH D030342.

Allele frequency attached by ClinVar (database versions not stated): gnomAD exomes 0.00002; ExAC 0.00003; ESP Exome Variant Server 0.00015; gnomAD 0.00017; TOPMed 0.00018.
gnomAD v4.1: 54 of 1,602,134 alleles (0.0034%); highest among the groups gnomAD compares: African/African-American, 0.064%; no homozygotes.

Submissions (2):

Ambry Genetics
Classification: Uncertain significance for Inborn genetic diseases. Last evaluated: 2025-07-15. Review status: criteria provided, single submitter. Criteria: Ambry Variant Classification Scheme 2023. Collection method: clinical testing. Allele origin: germline.

Labcorp Genetics (formerly Invitae), Labcorp
Classification: Uncertain significance. Last evaluated: 2022-06-13. Review status: criteria provided, single submitter. Criteria: Invitae Variant Classification Sherloc (09022015). Collection method: clinical testing. Allele origin: germline.
Comment: In summary, the available evidence is currently insufficient to determine the role of this variant in disease. Therefore, it has been classified as a Variant of Uncertain Significance. Algorithms developed to predict the effect of missense changes on protein structure and function (SIFT, PolyPhen-2, Align-GVGD) all suggest that this variant is likely to be tolerated. This variant has not been reported in the literature in individuals affected with RSPRY1-related conditions. This variant is present in population databases (rs146849995, gnomAD 0.06%). This sequence change replaces glutamic acid, which is acidic and polar, with aspartic acid, which is acidic and polar, at codon 136 of the RSPRY1 protein (p.Glu136Asp).

NM_133368.3(RSPRY1):c.408A>C (p.Glu136Asp)

Gene: RSPRY1 (ring finger and SPRY domain containing 1; plus strand). Cytogenetic location: 16q13.
Variant type: single nucleotide variant.
Coding change: c.408A>C on transcript NM_133368.3 (MANE Select); coding-DNA position 408, A replaced by C.
Protein change: p.Glu136Asp; replaces glutamic acid 136 with aspartic acid.
Molecular consequence: missense variant.
Genome position (GRCh38, 1-based): chr16:57,209,079, A>C. VCF-style: chr16-57209079-A-C. GRCh37 (hg19) VCF-style: chr16-57242991-A-C.
Other names: c.408A>C, p.Glu136Asp (NM_001305163.2, NM_001305164.2); c.408A>C (NM_133368.1); short protein forms E136D.
Identifiers: ClinVar variation 2167239 (VCV002167239.3), dbSNP rs146849995, ClinGen allele CA8074462.